The following is an entry in ClinVar:

NM_006516.4(SLC2A1):c.457C>A (p.Arg153Ser)

Gene: SLC2A1 (solute carrier family 2 member 1; minus strand). Cytogenetic location: 1p34.2.
Variant type: single nucleotide variant.
Coding change: c.457C>A on transcript NM_006516.4 (MANE Select); coding-DNA position 457, C replaced by A.
Protein change: p.Arg153Ser; replaces arginine 153 with serine.
Molecular consequence: missense variant.
Genome position (GRCh38, 1-based): chr1:42,930,685, G>T on the plus strand (C>A on the coding strand, the complement: SLC2A1 is on the minus strand). VCF-style: chr1-42930685-G-T. GRCh37 (hg19) VCF-style: chr1-43396356-G-T.
Other names: short protein forms R153S.
Identifiers: ClinVar variation 2815351 (VCV002815351.3), dbSNP rs1643479461, ClinGen allele CA339960552.

ClinVar aggregate classification (germline): Likely pathogenic (1 of 4 stars; one submission).

Conditions:
GLUT1 deficiency syndrome 1, autosomal recessive. Identifiers: MedGen C3149117.

Submission:

Labcorp Genetics (formerly Invitae), Labcorp
Classification: Likely pathogenic for GLUT1 deficiency syndrome 1, autosomal recessive. Last evaluated: 2022-11-19. Review status: criteria provided, single submitter. Criteria: Invitae Variant Classification Sherloc (09022015). Collection method: clinical testing. Allele origin: germline.
Comment: This sequence change replaces arginine, which is basic and polar, with serine, which is neutral and polar, at codon 153 of the SLC2A1 protein (p.Arg153Ser). In summary, the currently available evidence indicates that the variant is pathogenic, but additional data are needed to prove that conclusively. Therefore, this variant has been classified as Likely Pathogenic. This variant disrupts the p.Arg153 amino acid residue in SLC2A1. Other variant(s) that disrupt this residue have been determined to be pathogenic (PMID: 12325075, 17718830, 20129935, 26193382, 26267703). This suggests that this residue is clinically significant, and that variants that disrupt this residue are likely to be disease-causing. Advanced modeling of protein sequence and biophysical properties (such as structural, functional, and spatial information, amino acid conservation, physicochemical variation, residue mobility, and thermodynamic stability) performed at Invitae indicates that this missense variant is expected to disrupt SLC2A1 protein function. This variant has not been reported in the literature in individuals affected with SLC2A1-related conditions. This variant is not present in population databases (gnomAD no frequency).

Literature cited by the submitters: PubMed 12325075; PubMed 17718830; PubMed 20129935; PubMed 26193382; PubMed 26267703.